The following is an entry in ClinVar:

ClinVar aggregate classification (germline): Likely benign (0 of 4 stars; one submission).

Conditions:
HIVEP3-related disorder. Also called: HIVEP3-related condition.

gnomAD v4.1: 1 of 1,614,198 alleles (0.000062%); highest among the groups gnomAD compares: South Asian, 0.0011%; no homozygotes.

Submission:

PreventionGenetics, part of Exact Sciences
Classification: Likely benign for HIVEP3-related condition. Last evaluated: 2019-05-15. Review status: no assertion criteria provided. Collection method: clinical testing. Allele origin: germline.
Comment: This variant is classified as likely benign based on ACMG/AMP sequence variant interpretation guidelines (Richards et al. 2015 PMID: 25741868, with internal and published modifications).

NM_024503.5(HIVEP3):c.4287A>G (p.Lys1429=)

Gene: HIVEP3 (HIVEP zinc finger 3; minus strand). Cytogenetic location: 1p34.2.
Variant type: single nucleotide variant.
Coding change: c.4287A>G on transcript NM_024503.5 (MANE Select); coding-DNA position 4287, A replaced by G.
Protein change: p.Lys1429=; no amino-acid change (lysine 1429 retained).
Molecular consequence: synonymous variant.
Genome position (GRCh38, 1-based): chr1:41,580,511, T>C on the plus strand (A>G on the coding strand, the complement: HIVEP3 is on the minus strand). VCF-style: chr1-41580511-T-C. GRCh37 (hg19) VCF-style: chr1-42046182-T-C.
Other names: c.4287A>G, p.Lys1429= (NM_001127714.3).
Identifiers: ClinVar variation 3038147 (VCV003038147.2), dbSNP rs2521943305, ClinGen allele CA417538681.